The following is an entry in ClinVar:

ClinVar aggregate classification (germline): Uncertain significance (1 of 4 stars; one submission).

Conditions:
Amelocerebrohypohidrotic syndrome (KTZS). Also called: KOHLSCHUTTER SYNDROME; EPILEPSY AND YELLOW TEETH; EPILEPSY, DEMENTIA, AND AMELOGENESIS IMPERFECTA; Kohlschutter's syndrome. Identifiers: Orphanet 1946, MedGen C0406740, MONDO:0009185, OMIM 226750.

Allele frequency attached by ClinVar (database versions not stated): TOPMed 0.00004; ExAC 0.00006; 1000 Genomes Project 30x 0.00078; 1000 Genomes Project 0.00100.
gnomAD v4.1: 249 of 1,613,992 alleles (0.015%); highest among the groups gnomAD compares: East Asian, 0.55%; 5 homozygotes.

Submission:

Labcorp Genetics (formerly Invitae), Labcorp
Classification: Uncertain significance for Amelocerebrohypohidrotic syndrome. Last evaluated: 2022-07-23. Review status: criteria provided, single submitter. Criteria: Invitae Variant Classification Sherloc (09022015). Collection method: clinical testing. Allele origin: germline.
Comment: This sequence change replaces tyrosine, which is neutral and polar, with phenylalanine, which is neutral and non-polar, at codon 193 of the ROGDI protein (p.Tyr193Phe). This variant is present in population databases (rs80033521, gnomAD 0.06%). This variant has not been reported in the literature in individuals affected with ROGDI-related conditions. ClinVar contains an entry for this variant (Variation ID: 574332). Algorithms developed to predict the effect of missense changes on protein structure and function are either unavailable or do not agree on the potential impact of this missense change (SIFT: "Deleterious"; PolyPhen-2: "Probably Damaging"; Align-GVGD: "Class C15"). In summary, the available evidence is currently insufficient to determine the role of this variant in disease. Therefore, it has been classified as a Variant of Uncertain Significance.

NM_024589.3(ROGDI):c.578A>T (p.Tyr193Phe)

Gene: ROGDI (rogdi atypical leucine zipper; minus strand). Cytogenetic location: 16p13.3.
Variant type: single nucleotide variant.
Coding change: c.578A>T on transcript NM_024589.3 (MANE Select); coding-DNA position 578, A replaced by T.
Protein change: p.Tyr193Phe; replaces tyrosine 193 with phenylalanine.
Molecular consequence: missense variant. On other transcripts: non-coding transcript variant (1).
Genome position (GRCh38, 1-based): chr16:4,798,138, T>A on the plus strand (A>T on the coding strand, the complement: ROGDI is on the minus strand). VCF-style: chr16-4798138-T-A. GRCh37 (hg19) VCF-style: chr16-4848139-T-A.
Other names: short protein forms Y193F.
Identifiers: ClinVar variation 574332 (VCV000574332.6), dbSNP rs80033521, ClinGen allele CA7882627.